The following is an entry in ClinVar:

ClinVar aggregate classification (germline): Conflicting classifications of pathogenicity. Review status: criteria provided, conflicting classifications (1 of 4 stars). 10 submissions from 10 submitters: Pathogenic (2); Likely pathogenic (4); Uncertain significance (3). 1 of the submissions does not count toward it. Last evaluated 2025-12-16.

Conditions:
Autosomal recessive Alport syndrome (ATS2). Also called: COL4A3-Related Nephropathy; Alport syndrome type 2; ALPORT SYNDROME 2, AUTOSOMAL RECESSIVE; COL4A4 Alport Syndrome and Thin Basement Membrane Nephropathy. Identifiers: Orphanet 63, Orphanet 88919, MedGen C4746745, MONDO:0008762, OMIM 203780.
Hematuria, benign familial, 1 (BFH1). Also called: THIN MEMBRANE NEPHROPATHY. Identifiers: MedGen CN376803, MONDO:0007709, OMIM 141200.
Alport syndrome. Also called: Hemorrhagic familial nephritis; Hemorrhagic hereditary nephritis; Congenital hereditary hematuria. Identifiers: Orphanet 63, MedGen C1567741, MONDO:0018965.
COL4A4-related disorder.

Allele frequency attached by ClinVar (database versions not stated): gnomAD 0.00001; gnomAD exomes 0.00002 and 0.00008; TOPMed 0.00003; ExAC 0.00007; 1000 Genomes Project 30x 0.00016; 1000 Genomes Project 0.00020.

Submissions (10):

Labcorp Genetics (formerly Invitae), Labcorp
Classification: Likely pathogenic. Last evaluated: 2025-12-16. Review status: criteria provided, single submitter. Criteria: Invitae Variant Classification Sherloc (09022015). Collection method: clinical testing. Allele origin: germline.
Comment: This sequence change replaces glycine, which is neutral and non-polar, with serine, which is neutral and polar, at codon 481 of the COL4A4 protein (p.Gly481Ser). This variant is present in population databases (rs181528936, gnomAD 0.06%). This missense change has been observed in individuals with clinical features of Alport syndrome and/or hematuria (PMID: 15618242; internal data). ClinVar contains an entry for this variant (Variation ID: 585525). Invitae Evidence Modeling of protein sequence and biophysical properties (such as structural, functional, and spatial information, amino acid conservation, physicochemical variation, residue mobility, and thermodynamic stability) has been performed for this missense variant. However, the output from this modeling did not meet the statistical confidence thresholds required to predict the impact of this variant on COL4A4 protein function. In summary, the currently available evidence indicates that the variant is pathogenic, but additional data are needed to prove that conclusively. Therefore, this variant has been classified as Likely Pathogenic.

GeneDx
Classification: Uncertain significance. Last evaluated: 2025-09-23. Review status: criteria provided, single submitter. Criteria: GeneDx Variant Classification Process June 2021. Collection method: clinical testing. Allele origin: germline. Affected: yes.
Comment: Affects a glycine residue in a Gly-X-Y motif in the triple helical region of the COL4A4 gene; In silico analysis supports that this missense variant has a deleterious effect on protein structure/function; This variant is associated with the following publications: (PMID: 15618242, 34400539)

Natera, Inc.
Classification: Likely pathogenic for Alport syndrome. Last evaluated: 2025-09-05. Review status: criteria provided, single submitter. Criteria: Natera Variant Classification Schema (03/2026). Collection method: clinical testing. Allele origin: germline.
Comment: The c.1441G>A variant in COL4A4 is a missense variant predicted to cause substitution of glycine to serine at amino acid 481. This variant is rare in the general population with a frequency below the threshold expected for the associated phenotype(s). This variant is located in a functionally critical region of the protein. Computational prediction algorithms indicate this variant is likely to affect gene or protein function. Given the available evidence, this variant is classified as Likely Pathogenic.

Women's Health and Genetics/Laboratory Corporation of America, LabCorp
Classification: Likely pathogenic for Autosomal recessive Alport syndrome. Last evaluated: 2025-05-23. Review status: criteria provided, single submitter. Criteria: LabCorp Variant Classification Summary - May 2015. Collection method: clinical testing. Allele origin: germline.
Comment: Variant summary: COL4A4 c.1441G>A (p.Gly481Ser) results in a non-conservative amino acid change in the encoded protein sequence. Algorithms developed to predict the effect of missense changes on protein structure and function all suggest that this variant is likely to be disruptive. The variant allele was found at a frequency of 8.4e-05 in 249452 control chromosomes. This frequency is not significantly higher than estimated for a pathogenic variant in COL4A4 causing Alport Syndrome, Autosomal Recessive (8.4e-05 vs 0.0011), allowing no conclusion about variant significance. c.1441G>A has been observed in individuals affected with Alport Syndrome and/or hematuria (e.g., Frasca_2004, internal data). These data indicate that the variant is likely to be associated with disease. To our knowledge, no experimental evidence demonstrating an impact on protein function has been reported. The following publications have been ascertained in the context of this evaluation (PMID: 15618242, 36699462, 36292665). ClinVar contains an entry for this variant (Variation ID: 585525). Based on the evidence outlined above, the variant was classified as likely pathogenic.

Revvity Omics, Revvity
Classification: Uncertain significance. Last evaluated: 2024-09-27. Review status: criteria provided, single submitter. Criteria: ACMG Guidelines, 2015. Collection method: clinical testing. Allele origin: germline.

Fulgent Genetics
Classification: Pathogenic for Hematuria, benign familial, 1; Autosomal recessive Alport syndrome. Last evaluated: 2024-05-14. Review status: criteria provided, single submitter. Criteria: ACMG Guidelines, 2015. Collection method: clinical testing. Allele origin: germline.

Greenwood Genetic Center Diagnostic Laboratories, Greenwood Genetic Center
Classification: Uncertain significance. Last evaluated: 2021-07-20. Review status: criteria provided, single submitter. Criteria: ACMG Guidelines, 2015. Collection method: clinical testing. Allele origin: germline. Affected: yes.
Comment: PP3, PM1, PM2

Blueprint Genetics
Classification: Likely pathogenic for COL4A4-related disorders. Last evaluated: 2020-03-03. Review status: criteria provided, single submitter. Criteria: ACMG Guidelines, 2015. Collection method: clinical testing. Allele origin: germline. Affected: yes. Observed: 2 variant alleles.

Athena Diagnostics
Classification: Pathogenic. Last evaluated: 2019-06-13. Review status: criteria provided, single submitter. Criteria: Athena Diagnostics Criteria. Collection method: clinical testing. Allele origin: germline.
Comment: The variant disrupts a glycine residue in the canonical Gly-X-Y repeats of the triple helix domain, which are required for stability and structure of this protein. Therefore it is expected to severely affect the function of the protein. Found in at least one symptomatic patient, and found in general population data that is consistent with pathogenicity.

PreventionGenetics, part of Exact Sciences
Classification: Pathogenic for COL4A4-related condition. Last evaluated: 2024-03-15. Review status: no assertion criteria provided. Collection method: clinical testing. Allele origin: germline. Not counted in ClinVar's aggregate classification.
Comment: The COL4A4 c.1441G>A variant is predicted to result in the amino acid substitution p.Gly481Ser. This variant is reported in 0.061% of alleles in individuals of Latino descent in gnomAD. This variant affects a glycine (Gly) residue of the conserved triple helical domain (residues 65 – 1459) of the COL4A4 protein, where substitutions of the glycine (Gly) residue are usually pathogenic (Hudson et al. 1993. PubMed ID: 8253711). In addition, at other glycine (Gly) residues within this domain, substitutions of a glycine (Gly) with a serine (Ser) have been widely reported to be pathogenic for autosomal recessive or dominant COL4A4 nephropathy (see for example, p.Gly1242Ser in Zhang et al. 2021. PubMed ID: 33772369, autosomal recessive Alport syndrome; p.Gly1201Ser in Fig. 4a of Mochizuki et al. 1994. PubMed ID: 7987396, autosomal recessive Alport syndrome; p.Gly748Ser in Papazachariou et al. 2017. PubMed ID: 28632965, autosomal dominant familial microscopic hematuria). Taken together, this variant is interpreted as pathogenic for both autosomal recessive and dominant COL4A4 nephropathy.

Literature cited by the submitters: PubMed 15618242 (cited by 3 submitters); PubMed 36292665 (cited by Women's Health and Genetics/Laboratory Corporation of America, LabCorp); PubMed 36699462 (cited by Women's Health and Genetics/Laboratory Corporation of America, LabCorp).

NM_000092.5(COL4A4):c.1441G>A (p.Gly481Ser)

Gene: COL4A4 (collagen type IV alpha 4 chain; minus strand). Cytogenetic location: 2q36.3.
Variant type: single nucleotide variant.
Coding change: c.1441G>A on transcript NM_000092.5 (MANE Select); coding-DNA position 1441, G replaced by A.
Protein change: p.Gly481Ser; replaces glycine 481 with serine.
Molecular consequence: missense variant.
Genome position (GRCh38, 1-based): chr2:227,089,886, C>T on the plus strand (G>A on the coding strand, the complement: COL4A4 is on the minus strand). VCF-style: chr2-227089886-C-T. GRCh37 (hg19) VCF-style: chr2-227954602-C-T.
Other names: short protein forms G481S.
Identifiers: ClinVar variation 585525 (VCV000585525.26), dbSNP rs181528936, ClinGen allele CA2145166.